The following is an entry in ClinVar:

NM_032436.4(CHAMP1):c.1176_1181del (p.Gly393_Pro394del)

Gene: CHAMP1 (chromosome alignment maintaining phosphoprotein 1; plus strand). Cytogenetic location: 13q34.
Variant type: Deletion.
Coding change: c.1176_1181del on transcript NM_032436.4 (MANE Select); coding-DNA positions 1176 to 1181, 6 bases deleted (TGGCCC; older notation c.1176_1181delTGGCCC).
Protein change: p.Gly393_Pro394del.
Genome position (GRCh38, 1-based): chr13:114,325,018-114,325,023, TGGCCC deleted; deleting any 6 consecutive bases within chr13:114,325,017-114,325,023 gives the same sequence; the c. name uses the placement nearest the transcript's 3' end. VCF-style (leftmost placement, unchanged base first): chr13-114325016-TCTGGCC-T. GRCh37 (hg19) VCF-style: chr13-115090491-TCTGGCC-T.
Other names: c.1176_1181del, p.Gly393_Pro394del (NM_001164144.3, NM_001164145.3).
Identifiers: ClinVar variation 3900437 (VCV003900437.2).
Genomic context (GRCh38, chr13:114,325,016, plus strand): 5'-TCTTCATCAGTCTCACCCAGCTCCTGGAAGTCTCCCCCTGCATCTCCTGAGTCATGGAAG[TCTGGCC>T]CACCAGAACTCCGAAAGACAGCTCCCACGTTGTCTCCTGAACATTGGAAGGCAGTTCCCC-3'

ClinVar aggregate classification (germline): Uncertain significance (1 of 4 stars; one submission).

Submission:

GeneDx
Classification: Uncertain significance. Last evaluated: 2026-07-08. Review status: criteria provided, single submitter. Criteria: GeneDx Variant Classification Process June 2021. Collection method: clinical testing. Allele origin: germline.
Comment: In-frame deletion of 2 amino acids in a non-repeat region; Not observed at significant frequency in large population cohorts (gnomAD); In silico analysis indicates that this variant does not alter protein structure/function; Has not been previously published as pathogenic or benign to our knowledge